The following is an entry in ClinVar:

ClinVar aggregate classification (germline): Pathogenic (1 of 4 stars; one submission).

Conditions:
Jeune thoracic dystrophy. Also called: Jeune syndrome; Infantile thoracic dystrophy; Thoracic pelvic phalangeal dystrophy; Jeune's syndrome; Chondroectodermal dysplasia-like syndrome; Short-rib thoracic dysplasia. Identifiers: Orphanet 474, MedGen C0265275, MONDO:0018770.

Submission:

Labcorp Genetics (formerly Invitae), Labcorp
Classification: Pathogenic for Jeune thoracic dystrophy. Last evaluated: 2022-10-31. Review status: criteria provided, single submitter. Criteria: Invitae Variant Classification Sherloc (09022015). Collection method: clinical testing. Allele origin: germline.
Comment: For these reasons, this variant has been classified as Pathogenic. ClinVar contains an entry for this variant (Variation ID: 528900). This variant has not been reported in the literature in individuals affected with DYNC2H1-related conditions. This variant is not present in population databases (gnomAD no frequency). This sequence change creates a premature translational stop signal (p.Trp381Argfs*16) in the DYNC2H1 gene. It is expected to result in an absent or disrupted protein product. Loss-of-function variants in DYNC2H1 are known to be pathogenic (PMID: 23339108, 32753734).

Literature cited by the submitters: PubMed 23339108; PubMed 32753734.

NM_001377.3(DYNC2H1):c.1141_1150del (p.Trp381fs)

Gene: DYNC2H1 (dynein cytoplasmic 2 heavy chain 1; plus strand). Cytogenetic location: 11q22.3.
Variant type: Deletion.
Coding change: c.1141_1150del on transcript NM_001377.3 (MANE Select); coding-DNA positions 1141 to 1150, 10 bases deleted (TGGAAAGCTG; older notation c.1141_1150delTGGAAAGCTG).
Protein change: p.Trp381fs; shifts the reading frame from tryptophan 381.
Molecular consequence: frameshift variant.
Genome position (GRCh38, 1-based): chr11:103,120,695-103,120,704, TGGAAAGCTG deleted; deleting any 10 consecutive bases within chr11:103,120,693-103,120,704 gives the same sequence; the c. name uses the placement nearest the transcript's 3' end. VCF-style (leftmost placement, unchanged base first): chr11-103120692-TTGTGGAAAGC-T. GRCh37 (hg19) VCF-style: chr11-102991421-TTGTGGAAAGC-T.
Other names: c.1141_1150del, p.Trp381fs (NM_001080463.2); short protein forms W381fs.
Identifiers: ClinVar variation 528900 (VCV000528900.6), dbSNP rs1555038664, ClinGen allele CA658797719.